The following is an entry in ClinVar:

ClinVar aggregate classification (germline): Uncertain significance. Review status: criteria provided, multiple submitters, no conflicts (2 of 4 stars). 3 submissions from 3 submitters: Uncertain significance (2). 1 of the submissions does not count toward it. Last evaluated 2024-01-25.

Conditions:
BARD1-related disorder. Also called: BARD1-related condition.
Familial cancer of breast. Also called: hereditary breast carcinoma; Hereditary breast cancer; BREAST CANCER, FAMILIAL. Identifiers: Orphanet 227535, MedGen C0346153, MONDO:0016419, OMIM 114480. Disease mechanism: loss of function.
Hereditary cancer-predisposing syndrome. Also called: Tumor predisposition; Hereditary neoplastic syndrome; Neoplastic Syndromes, Hereditary; Hereditary Cancer Syndrome. Identifiers: Orphanet 140162, MedGen C0027672, MeSH D009386, MONDO:0015356.

Submissions (3):

Ambry Genetics
Classification: Uncertain significance for Hereditary cancer-predisposing syndrome. Last evaluated: 2024-01-25. Review status: criteria provided, single submitter. Criteria: Ambry Variant Classification Scheme 2023. Collection method: clinical testing. Allele origin: germline.
Comment: The p.S496L variant (also known as c.1487C>T), located in coding exon 6 of the BARD1 gene, results from a C to T substitution at nucleotide position 1487. The serine at codon 496 is replaced by leucine, an amino acid with dissimilar properties. This amino acid position is well conserved in available vertebrate species. In addition, this alteration is predicted to be deleterious by in silico analysis. Since supporting evidence is limited at this time, the clinical significance of this alteration remains unclear.

Labcorp Genetics (formerly Invitae), Labcorp
Classification: Uncertain significance for Familial cancer of breast. Last evaluated: 2021-09-09. Review status: criteria provided, single submitter. Criteria: Invitae Variant Classification Sherloc (09022015). Collection method: clinical testing. Allele origin: germline.
Comment: This sequence change replaces serine with leucine at codon 496 of the BARD1 protein (p.Ser496Leu). The serine residue is highly conserved and there is a large physicochemical difference between serine and leucine. This variant is not present in population databases (ExAC no frequency). This variant has not been reported in the literature in individuals affected with BARD1-related conditions. Algorithms developed to predict the effect of missense changes on protein structure and function (SIFT, PolyPhen-2, Align-GVGD) all suggest that this variant is likely to be disruptive. In summary, the available evidence is currently insufficient to determine the role of this variant in disease. Therefore, it has been classified as a Variant of Uncertain Significance.

PreventionGenetics, part of Exact Sciences
Classification: Uncertain significance for BARD1-related condition. Last evaluated: 2024-02-06. Review status: no assertion criteria provided. Collection method: clinical testing. Allele origin: germline. Not counted in ClinVar's aggregate classification.
Comment: The BARD1 c.1487C>T variant is predicted to result in the amino acid substitution p.Ser496Leu. To our knowledge, this variant has not been reported in the literature or in a large population database, indicating this variant is rare. This variant is reported as variant of uncertain significance in ClinVar. At this time, the clinical significance of this variant is uncertain due to the absence of conclusive functional and genetic evidence.

NM_000465.4(BARD1):c.1487C>T (p.Ser496Leu)

Gene: BARD1 (BRCA1 associated RING domain 1; minus strand). Cytogenetic location: 2q35.
Variant type: single nucleotide variant.
Coding change: c.1487C>T on transcript NM_000465.4 (MANE Select); coding-DNA position 1487, C replaced by T.
Protein change: p.Ser496Leu; replaces serine 496 with leucine.
Molecular consequence: missense variant. On other transcripts: non-coding transcript variant (3), intron variant (3).
Genome position (GRCh38, 1-based): chr2:214,767,563, G>A on the plus strand (C>T on the coding strand, the complement: BARD1 is on the minus strand). VCF-style: chr2-214767563-G-A. GRCh37 (hg19) VCF-style: chr2-215632287-G-A.
Other names: c.1430C>T, p.Ser477Leu (NM_001282543.2); c.159-15008C>T (NM_001282548.2); c.216-15008C>T (NM_001282545.2); c.364+24734C>T (NM_001282549.2); short protein forms S496L, S477L.
Identifiers: ClinVar variation 819348 (VCV000819348.15), dbSNP rs1405646805, ClinGen allele CA350448404.